The following is an entry in ClinVar:

ClinVar aggregate classification (germline): Likely benign. Review status: criteria provided, multiple submitters, no conflicts (2 of 4 stars). 3 submissions from 3 submitters: Likely benign (2). 1 of the submissions does not count toward it. Last evaluated 2025-12-23.

Conditions:
CERKL-related disorder. Also called: CERKL-related condition.

gnomAD v4.1: 41 of 1,590,668 alleles (0.0026%); highest among the groups gnomAD compares: Admixed American, 0.065%; no homozygotes.

Submissions (3):

Labcorp Genetics (formerly Invitae), Labcorp
Classification: Likely benign. Last evaluated: 2025-12-23. Review status: criteria provided, single submitter. Criteria: Invitae Variant Classification Sherloc (09022015). Collection method: clinical testing. Allele origin: germline.

Blueprint Genetics
Classification: Likely benign. Last evaluated: 2024-05-03. Review status: criteria provided, single submitter. Criteria: ACMG Guidelines, 2015. Collection method: clinical testing. Allele origin: germline.

PreventionGenetics, part of Exact Sciences
Classification: Likely benign for CERKL-related condition. Last evaluated: 2024-09-12. Review status: no assertion criteria provided. Collection method: clinical testing. Allele origin: germline. Not counted in ClinVar's aggregate classification.
Comment: This variant is classified as likely benign based on ACMG/AMP sequence variant interpretation guidelines (Richards et al. 2015 PMID: 25741868, with internal and published modifications).

NM_201548.5(CERKL):c.237G>T (p.Ala79=)

Genes: CERKL (CERK like autophagy regulator; minus strand), LOC129935214 (ATAC-STARR-seq lymphoblastoid silent region 12157; plus strand). Cytogenetic location: 2q31.3.
Variant type: single nucleotide variant.
Coding change: c.237G>T on transcript NM_201548.5 (MANE Select); coding-DNA position 237, G replaced by T.
Protein change: p.Ala79=; no amino-acid change (alanine 79 retained).
Molecular consequence: synonymous variant. On other transcripts: non-coding transcript variant (2).
Genome position (GRCh38, 1-based): chr2:181,656,770, C>A on the plus strand (G>T on the coding strand, the complement: CERKL is on the minus strand). VCF-style: chr2-181656770-C-A. GRCh37 (hg19) VCF-style: chr2-182521497-C-A.
Other names: c.237G>T, p.Ala79= (NM_001030311.3, NM_001030312.3, NM_001030313.3 and 1 more transcripts); c.237G>T (NM_001030311.2).
Identifiers: ClinVar variation 1125908 (VCV001125908.11), dbSNP rs374655559, ClinGen allele CA2010913.